The following is an entry in ClinVar:

NM_001277115.2(DNAH11):c.6941C>G (p.Ala2314Gly)

Gene: DNAH11 (dynein axonemal heavy chain 11; plus strand). Cytogenetic location: 7p15.3.
Variant type: single nucleotide variant.
Coding change: c.6941C>G on transcript NM_001277115.2 (MANE Select); coding-DNA position 6941, C replaced by G.
Protein change: p.Ala2314Gly; replaces alanine 2314 with glycine.
Molecular consequence: missense variant.
Genome position (GRCh38, 1-based): chr7:21,711,818, C>G. VCF-style: chr7-21711818-C-G. GRCh37 (hg19) VCF-style: chr7-21751436-C-G.
Other names: p.Ala2314Gly; c.6962C>G, p.Ala2321Gly (NM_003777.3); short protein forms A2314G, A2321G.
Identifiers: ClinVar variation 2060722 (VCV002060722.6), dbSNP rs372541483, ClinGen allele CA4181046.
Genomic context (GRCh38, chr7:21,711,818, plus strand): 5'-TGAGGCTTCTGTTTGAGATACATCACTTAAGGAGCGCAACCCCGGCCACTGTTTCCAGAG[C>G]TGGTATTCTGTATGTGAACCCACAAGATCTGGGCTGGAATCCGTGAGTATTTCTTTTTGT-3'
Protein context (NP_001264044.1, residues 2304-2324): RSATPATVSR[Ala2314Gly]GILYVNPQDL

ClinVar aggregate classification (germline): Conflicting classifications of pathogenicity. Review status: criteria provided, conflicting classifications (1 of 4 stars). 3 submissions from 3 submitters: Uncertain significance (2); Likely benign (1). Last evaluated 2025-08-12.

Conditions:
Primary ciliary dyskinesia. Also called: Ciliary dyskinesia. Identifiers: Orphanet 244, MedGen C0008780, MONDO:0016575, HP:0012265.

Allele frequency attached by ClinVar (database versions not stated): TOPMed below 0.00001; gnomAD exomes 0.00001; ExAC 0.00002; ESP Exome Variant Server 0.00008.

Submissions (3):

Ambry Genetics
Classification: Uncertain significance for Primary ciliary dyskinesia. Last evaluated: 2025-08-12. Review status: criteria provided, single submitter. Criteria: Ambry Variant Classification Scheme 2023. Collection method: clinical testing. Allele origin: germline.

Labcorp Genetics (formerly Invitae), Labcorp
Classification: Likely benign for Primary ciliary dyskinesia. Last evaluated: 2025-07-27. Review status: criteria provided, single submitter. Criteria: Invitae Variant Classification Sherloc (09022015). Collection method: clinical testing. Allele origin: germline.

Mayo Clinic Laboratories, Mayo Clinic
Classification: Uncertain significance. Last evaluated: 2025-07-11. Review status: criteria provided, single submitter. Criteria: ACMG Guidelines, 2015. Collection method: clinical testing. Allele origin: germline. Observed: 1 variant allele.
Comment: PP3